The following is an entry in ClinVar:

ClinVar aggregate classification (germline): Uncertain significance (1 of 4 stars; one submission).

Conditions:
Inborn genetic diseases. Identifiers: MedGen C0950123, MeSH D030342.

Submission:

Ambry Genetics
Classification: Uncertain significance for Inborn genetic diseases. Last evaluated: 2024-09-27. Review status: criteria provided, single submitter. Criteria: Ambry Variant Classification Scheme 2023. Collection method: clinical testing. Allele origin: germline.
Comment: The p.R177G variant (also known as c.529C>G), located in coding exon 4 of the ATR gene, results from a C to G substitution at nucleotide position 529. The arginine at codon 177 is replaced by glycine, an amino acid with dissimilar properties. This amino acid position is conserved. In addition, this alteration is predicted to be tolerated by in silico analysis. Based on the available evidence, the clinical significance of this variant remains unclear.

NM_001184.4(ATR):c.529C>G (p.Arg177Gly)

Gene: ATR (ATR serine/threonine kinase; minus strand). Cytogenetic location: 3q23.
Variant type: single nucleotide variant.
Coding change: c.529C>G on transcript NM_001184.4 (MANE Select); coding-DNA position 529, C replaced by G.
Protein change: p.Arg177Gly; replaces arginine 177 with glycine.
Molecular consequence: missense variant.
Genome position (GRCh38, 1-based): chr3:142,562,873, G>C on the plus strand (C>G on the coding strand, the complement: ATR is on the minus strand). VCF-style: chr3-142562873-G-C. GRCh37 (hg19) VCF-style: chr3-142281715-G-C.
Other names: c.529C>G, p.Arg177Gly (NM_001354579.2); short protein forms R177G.
Identifiers: ClinVar variation 3461226 (VCV003461226.1).
Genomic context (GRCh38, chr3:142,562,873, plus strand): 5'-TCAACTGCAAAGGAGCTGATTGTAAATATCCCATGTGTTCATCTAATTGACTTAAAAATC[G>C]GCTCATGACCACTGGCCATTCCACAGCATGACCCATCACATTTCTTCTATGGAGGTAAAC-3'
Protein context (NP_001175.2, residues 167-187): HAVEWPVVMS[Arg177Gly]FLSQLDEHMG